The following is an entry in ClinVar:

ClinVar aggregate classification (germline): Uncertain significance (1 of 4 stars; one submission).

gnomAD v4.1: 2 of 1,613,888 alleles (0.00012%); highest among the groups gnomAD compares: Non-Finnish European, 0.00017%; no homozygotes.

Submission:

Labcorp Genetics (formerly Invitae), Labcorp
Classification: Uncertain significance. Last evaluated: 2022-03-10. Review status: criteria provided, single submitter. Criteria: Invitae Variant Classification Sherloc (09022015). Collection method: clinical testing. Allele origin: germline.
Comment: This sequence change replaces isoleucine, which is neutral and non-polar, with methionine, which is neutral and non-polar, at codon 193 of the CIB1 protein (p.Ile193Met). This variant is not present in population databases (gnomAD no frequency). This variant has not been reported in the literature in individuals affected with CIB1-related conditions. Algorithms developed to predict the effect of missense changes on protein structure and function are either unavailable or do not agree on the potential impact of this missense change (SIFT: "Deleterious"; PolyPhen-2: "Not Available"; Align-GVGD: "Class C0"). In summary, the available evidence is currently insufficient to determine the role of this variant in disease. Therefore, it has been classified as a Variant of Uncertain Significance.

NM_006384.4(CIB1):c.459C>G (p.Ile153Met)

Gene: CIB1 (calcium and integrin binding 1; minus strand). Cytogenetic location: 15q26.1.
Variant type: single nucleotide variant.
Coding change: c.459C>G on transcript NM_006384.4 (MANE Select); coding-DNA position 459, C replaced by G.
Protein change: p.Ile153Met; replaces isoleucine 153 with methionine.
Molecular consequence: missense variant. On other transcripts: non-coding transcript variant (2).
Genome position (GRCh38, 1-based): chr15:90,231,101, G>C on the plus strand (C>G on the coding strand, the complement: CIB1 is on the minus strand). VCF-style: chr15-90231101-G-C. GRCh37 (hg19) VCF-style: chr15-90774333-G-C.
Other names: c.579C>G, p.Ile193Met (NM_001277764.2); short protein forms I193M, I153M.
Identifiers: ClinVar variation 1932255 (VCV001932255.5), dbSNP rs563075894, ClinGen allele CA393813793.